The following is an entry in ClinVar:

NM_000834.5(GRIN2B):c.4265G>A (p.Arg1422Gln)

Gene: GRIN2B (glutamate ionotropic receptor NMDA type subunit 2B; minus strand). Cytogenetic location: 12p13.1.
Variant type: single nucleotide variant.
Coding change: c.4265G>A on transcript NM_000834.5 (MANE Select); coding-DNA position 4265, G replaced by A.
Protein change: p.Arg1422Gln; replaces arginine 1422 with glutamine.
Molecular consequence: missense variant.
Genome position (GRCh38, 1-based): chr12:13,562,973, C>T on the plus strand (G>A on the coding strand, the complement: GRIN2B is on the minus strand). VCF-style: chr12-13562973-C-T. GRCh37 (hg19) VCF-style: chr12-13715907-C-T.
Other names: short protein forms R1422Q.
Identifiers: ClinVar variation 451978 (VCV000451978.11), dbSNP rs75269586, ClinGen allele CA6460755.
Genomic context (GRCh38, chr12:13,562,973, plus strand): 5'-AAACGGGCTGGCACGGCCCCATGAAGGGCCGAGACCACCGGCTTGTTGGTGACAAGGGCC[C>T]GGAAGTCCGGCCTGGCTTTCGACGCCCCCGCCACCGTGGGCTGCCTGAAGAAGTAGGATT-3'
Protein context (NP_000825.2, residues 1412-1432): AGASKARPDF[Arg1422Gln]ALVTNKPVVS

ClinVar aggregate classification (germline): Conflicting classifications of pathogenicity. Review status: criteria provided, conflicting classifications (1 of 4 stars). 2 submissions from 2 submitters: Uncertain significance (1); Benign (1). Last evaluated 2025-10-27.

Conditions:
Intellectual developmental disorder, autosomal dominant 6, with or without seizures. Also called: GRIN2B-related developmental delay, intellectual disability and autism spectrum disorder; Intellectual disability, autosomal dominant 6. Identifiers: Orphanet 589547, MedGen C3151411, MONDO:0013509, OMIM 613970.
Developmental and epileptic encephalopathy, 27 (DEE27). Also called: Epileptic encephalopathy, early infantile, 27; GRIN2B-Related Neurodevelopmental Disorder. Identifiers: Orphanet 3451, MedGen C4015316, MONDO:0014505, OMIM 616139.

Allele frequency attached by ClinVar (database versions not stated): TOPMed 0.00001; gnomAD exomes 0.00001; ExAC 0.00001; gnomAD 0.00001; ESP Exome Variant Server 0.00008.
gnomAD v4.1: 10 of 1,613,842 alleles (0.00062%); highest among the groups gnomAD compares: Non-Finnish European, 0.00076%; no homozygotes.

Submissions (2):

Labcorp Genetics (formerly Invitae), Labcorp
Classification: Benign for Developmental and epileptic encephalopathy, 27; Intellectual developmental disorder, autosomal dominant 6, with or without seizures. Last evaluated: 2025-10-27. Review status: criteria provided, single submitter. Criteria: Invitae Variant Classification Sherloc (09022015). Collection method: clinical testing. Allele origin: germline.

GeneDx
Classification: Uncertain significance. Last evaluated: 2017-09-21. Review status: criteria provided, single submitter. Criteria: GeneDx Variant Classification (06012015). Collection method: clinical testing. Allele origin: germline. Affected: yes.
Comment: A variant of uncertain significance has been identified in the GRIN2B gene. The R1422Q variant has not been published as a pathogenic variant, nor has it been reported as a benign variant to our knowledge. The R1422Q variant is observed in 1/66604 (0.001%) alleles from individuals of European background (Lek et al., 2016). The R1422Q variant is a semi-conservative amino acid substitution, which may impact secondary protein structure as these residues differ in some properties. Additionally, this substitution occurs at a position that is conserved across species, and in silico analysis predicts this variant is probably damaging to the protein structure/function. Therefore, based on the currently available information, it is unclear whether this variant is a pathogenic variant or a rare benign variant.